The following is an entry in ClinVar:

ClinVar aggregate classification (germline): Benign. Review status: criteria provided, single submitter (1 of 4 stars). 2 submissions from 2 submitters: Benign (1). 1 of the submissions does not count toward it. Last evaluated 2026-01-13.

Conditions:
SUN1-related disorder. Also called: SUN1-related condition.
Emery-Dreifuss muscular dystrophy (EDMD). Also called: Scapuloperoneal syndrome, X-linked (formerly); Humeroperoneal neuromuscular disease, (formerly). Identifiers: Orphanet 261, MedGen C0410189, MONDO:0016830.

Allele frequency attached by ClinVar (database versions not stated): gnomAD exomes 0.00045; ExAC 0.00056; 1000 Genomes Project 0.00100; 1000 Genomes Project 30x 0.00125; ESP Exome Variant Server 0.00262; gnomAD 0.00180 and 0.00195; TOPMed 0.00198.
gnomAD v4.1: 521 of 1,614,170 alleles (0.032%); highest among the groups gnomAD compares: African/African-American, 0.64%; 3 homozygotes.

Submissions (2):

Labcorp Genetics (formerly Invitae), Labcorp
Classification: Benign for Emery-Dreifuss muscular dystrophy. Last evaluated: 2026-01-13. Review status: criteria provided, single submitter. Criteria: Invitae Variant Classification Sherloc (09022015). Collection method: clinical testing. Allele origin: germline.

PreventionGenetics, part of Exact Sciences
Classification: Likely benign for SUN1-related condition. Last evaluated: 2019-06-03. Review status: no assertion criteria provided. Collection method: clinical testing. Allele origin: germline. Not counted in ClinVar's aggregate classification.
Comment: This variant is classified as likely benign based on ACMG/AMP sequence variant interpretation guidelines (Richards et al. 2015 PMID: 25741868, with internal and published modifications).

NM_001130965.3(SUN1):c.358G>A (p.Gly120Ser)

Gene: SUN1 (Sad1 and UNC84 domain containing 1; plus strand). Cytogenetic location: 7p22.3.
Variant type: single nucleotide variant.
Coding change: c.358G>A on transcript NM_001130965.3 (MANE Select); coding-DNA position 358, G replaced by A.
Protein change: p.Gly120Ser; replaces glycine 120 with serine.
Molecular consequence: missense variant. On other transcripts: 5 prime UTR variant (4), non-coding transcript variant (3).
Genome position (GRCh38, 1-based): chr7:842,037, G>A. VCF-style: chr7-842037-G-A. GRCh37 (hg19) VCF-style: chr7-881674-G-A.
Other names: c.358G>A, p.Gly120Ser (NM_001171944.2, NM_001171946.2, NM_001367633.1 and 34 more transcripts); c.421G>A, p.Gly141Ser (NM_001171945.2); c.-100G>A (NM_001367635.1); c.208G>A, p.Gly70Ser (NM_001367636.1, NM_001367637.1, NM_001367644.1 and 24 more transcripts); c.-210G>A (NM_001367639.1, NM_001367708.1); c.577G>A, p.Gly193Ser (NM_001367651.1); c.-404G>A (NM_001367658.1); c.169G>A, p.Gly57Ser (NM_001367695.1); short protein forms G141S, G193S, G120S, G57S, G70S.
Identifiers: ClinVar variation 703897 (VCV000703897.14), dbSNP rs199666815, ClinGen allele CA4111480.
Genomic context (GRCh38, chr7:842,037, plus strand): 5'-TCAGCTTTTAGTATCAACCACGTGTCAAGGCAGGTCACGTCCTCTGGCGTCAGCCACGGC[G>A]GCACTGTCAGCCTGCAGGATGCTGTGACTCGACGGCCTCCTGTATTGGACGAGTCTTGGA-3'
Protein context (NP_001124437.1, residues 110-130): QVTSSGVSHG[Gly120Ser]TVSLQDAVTR